The following is an entry in ClinVar:

NM_001353108.3(CEP63):c.143A>G (p.His48Arg)

Gene: CEP63 (centrosomal protein 63; plus strand). Cytogenetic location: 3q22.2.
Variant type: single nucleotide variant.
Coding change: c.143A>G on transcript NM_001353108.3 (MANE Select); coding-DNA position 143, A replaced by G.
Protein change: p.His48Arg; replaces histidine 48 with arginine.
Molecular consequence: missense variant. On other transcripts: 5 prime UTR variant (1), non-coding transcript variant (4).
Genome position (GRCh38, 1-based): chr3:134,507,207, A>G. VCF-style: chr3-134507207-A-G. GRCh37 (hg19) VCF-style: chr3-134226049-A-G.
Other names: c.143A>G, p.His48Arg (NM_001042383.2, NM_001042384.2, NM_001042400.3 and 13 more transcripts); c.170A>G, p.His57Arg (NM_001353118.1); c.59A>G, p.His20Arg (NM_001353125.2); c.-239A>G (NM_001353126.2); short protein forms H57R, H48R, H20R.
Identifiers: ClinVar variation 3644921 (VCV003644921.2).

ClinVar aggregate classification (germline): Uncertain significance (1 of 4 stars; one submission).

gnomAD v4.1: 3 of 1,613,822 alleles (0.00019%); highest among the groups gnomAD compares: Non-Finnish European, 0.00017%; no homozygotes.

Submission:

Labcorp Genetics (formerly Invitae), Labcorp
Classification: Uncertain significance. Last evaluated: 2024-03-07. Review status: criteria provided, single submitter. Criteria: Invitae Variant Classification Sherloc (09022015). Collection method: clinical testing. Allele origin: germline.
Comment: This sequence change replaces histidine, which is basic and polar, with arginine, which is basic and polar, at codon 48 of the CEP63 protein (p.His48Arg). This variant is present in population databases (no rsID available, gnomAD 0.004%). This variant has not been reported in the literature in individuals affected with CEP63-related conditions. Advanced modeling of protein sequence and biophysical properties (such as structural, functional, and spatial information, amino acid conservation, physicochemical variation, residue mobility, and thermodynamic stability) performed at Invitae indicates that this missense variant is not expected to disrupt CEP63 protein function with a negative predictive value of 80%. In summary, the available evidence is currently insufficient to determine the role of this variant in disease. Therefore, it has been classified as a Variant of Uncertain Significance.